The following is an entry in ClinVar:

ClinVar aggregate classification (germline): Uncertain significance. Review status: criteria provided, multiple submitters, no conflicts (2 of 4 stars). 2 submissions from 2 submitters: Uncertain significance (2). Last evaluated 2022-07-29.

Submissions (2):

Labcorp Genetics (formerly Invitae), Labcorp
Classification: Uncertain significance. Last evaluated: 2022-07-29. Review status: criteria provided, single submitter. Criteria: Invitae Variant Classification Sherloc (09022015). Collection method: clinical testing. Allele origin: germline.
Comment: This variant is not present in population databases (gnomAD no frequency). This sequence change replaces proline, which is neutral and non-polar, with leucine, which is neutral and non-polar, at codon 205 of the COL4A1 protein (p.Pro205Leu). This variant has not been reported in the literature in individuals affected with COL4A1-related conditions. Algorithms developed to predict the effect of missense changes on protein structure and function are either unavailable or do not agree on the potential impact of this missense change (SIFT: "Deleterious"; PolyPhen-2: "Not Available"; Align-GVGD: "Class C15"). In summary, the available evidence is currently insufficient to determine the role of this variant in disease. Therefore, it has been classified as a Variant of Uncertain Significance.

Blueprint Genetics
Classification: Uncertain significance. Last evaluated: 2022-01-26. Review status: criteria provided, single submitter. Criteria: ACMG Guidelines, 2015. Collection method: clinical testing. Allele origin: germline.

NM_001845.6(COL4A1):c.614C>T (p.Pro205Leu)

Gene: COL4A1 (collagen type IV alpha 1 chain; minus strand). Cytogenetic location: 13q34.
Variant type: single nucleotide variant.
Coding change: c.614C>T on transcript NM_001845.6 (MANE Select); coding-DNA position 614, C replaced by T.
Protein change: p.Pro205Leu; replaces proline 205 with leucine.
Molecular consequence: missense variant.
Genome position (GRCh38, 1-based): chr13:110,209,981, G>A on the plus strand (C>T on the coding strand, the complement: COL4A1 is on the minus strand). VCF-style: chr13-110209981-G-A. GRCh37 (hg19) VCF-style: chr13-110862328-G-A.
Other names: c.614C>T, p.Pro205Leu (NM_001303110.2); short protein forms P205L.
Identifiers: ClinVar variation 2106691 (VCV002106691.5), dbSNP rs2501595079, ClinGen allele CA388725428.
Genomic context (GRCh38, chr13:110,209,981, plus strand): 5'-AACCTCAATATAGTTGTTTTTTAAATGATTGCCTCGGAGAGACAGCCCCCAAAACTTACT[G>A]GTGGTCCGGTAAATCCTGGAGGCCCAACAGGACCTTGAAGCCCTGGCAGTCCTGGTGGGC-3'
Protein context (NP_001836.3, residues 195-215): PVGPPGFTGP[Pro205Leu]GPPGPPGPPG